The following is an entry in ClinVar:

NM_004963.4(GUCY2C):c.722G>A (p.Arg241Lys)

Genes: GUCY2C (guanylate cyclase 2C; minus strand), GUCY2C-AS1 (GUCY2C antisense RNA 1; plus strand). Cytogenetic location: 12p12.3.
Variant type: single nucleotide variant.
Coding change: c.722G>A on transcript NM_004963.4 (MANE Select); coding-DNA position 722, G replaced by A.
Protein change: p.Arg241Lys; replaces arginine 241 with lysine.
Molecular consequence: missense variant.
Genome position (GRCh38, 1-based): chr12:14,681,367, C>T on the plus strand (G>A on the coding strand, the complement: GUCY2C is on the minus strand). VCF-style: chr12-14681367-C-T. GRCh37 (hg19) VCF-style: chr12-14834301-C-T.
Other names: short protein forms R241K.
Identifiers: ClinVar variation 3656138 (VCV003656138.2).

ClinVar aggregate classification (germline): Uncertain significance (1 of 4 stars; one submission).

Submission:

Labcorp Genetics (formerly Invitae), Labcorp
Classification: Uncertain significance. Last evaluated: 2024-06-10. Review status: criteria provided, single submitter. Criteria: Invitae Variant Classification Sherloc (09022015). Collection method: clinical testing. Allele origin: germline.
Comment: This sequence change replaces arginine, which is basic and polar, with lysine, which is basic and polar, at codon 241 of the GUCY2C protein (p.Arg241Lys). This variant is not present in population databases (gnomAD no frequency). This variant has not been reported in the literature in individuals affected with GUCY2C-related conditions. Advanced modeling of protein sequence and biophysical properties (such as structural, functional, and spatial information, amino acid conservation, physicochemical variation, residue mobility, and thermodynamic stability) performed at Invitae indicates that this missense variant is not expected to disrupt GUCY2C protein function with a negative predictive value of 80%. In summary, the available evidence is currently insufficient to determine the role of this variant in disease. Therefore, it has been classified as a Variant of Uncertain Significance.